The following is an entry in ClinVar:

NM_001365536.1(SCN9A):c.4715A>G (p.Tyr1572Cys)

Genes: SCN9A (sodium voltage-gated channel alpha subunit 9; minus strand), SCN1A-AS1 (SCN1A and SCN9A antisense RNA 1; plus strand). Cytogenetic location: 2q24.3.
Variant type: single nucleotide variant.
Coding change: c.4715A>G on transcript NM_001365536.1 (MANE Select); coding-DNA position 4715, A replaced by G.
Protein change: p.Tyr1572Cys; replaces tyrosine 1572 with cysteine.
Molecular consequence: missense variant.
Genome position (GRCh38, 1-based): chr2:166,204,014, T>C on the plus strand (A>G on the coding strand, the complement: SCN9A is on the minus strand). VCF-style: chr2-166204014-T-C. GRCh37 (hg19) VCF-style: chr2-167060524-T-C.
Other names: c.4682A>G, p.Tyr1561Cys (NM_002977.4); short protein forms Y1561C, Y1572C.
Identifiers: ClinVar variation 2188730 (VCV002188730.4), dbSNP rs757069528, ClinGen allele CA1943800.
Genomic context (GRCh38, chr2:166,204,014, plus strand): 5'-CCTACAATGGAGATAATCACAACCACAAAATCAAAAATATTCCATCCTACAGTGAAGTAG[T>C]AGTGTCTGAGGGAGATCAGTTTTAGCACACATTCTCCAGTGAAAAGGATTATAAAAACCA-3'
Protein context (NP_001352465.1, residues 1562-1582): CVLKLISLRH[Tyr1572Cys]YFTVGWNIFD

ClinVar aggregate classification (germline): Uncertain significance (1 of 4 stars; one submission).

Conditions:
Neuropathy, hereditary sensory and autonomic, type 2A (HSAN2A). Also called: WNK1-Related HSAN2 (HSAN2A); MORVAN DISEASE; NEUROPATHY, CONGENITAL SENSORY; NEUROPATHY, HEREDITARY SENSORY RADICULAR, AUTOSOMAL RECESSIVE; NEUROPATHY, HEREDITARY SENSORY, TYPE IIA; NEUROPATHY, PROGRESSIVE SENSORY, OF CHILDREN. Identifiers: Orphanet 970, MedGen C2752089, MONDO:0024309, OMIM 201300.
Generalized epilepsy with febrile seizures plus, type 7 (GEFSP7). Also called: GEFS+, TYPE 7. Identifiers: Orphanet 36387, MedGen C2751778, MONDO:0013470, OMIM 613863.

Allele frequency attached by ClinVar (database versions not stated): TOPMed below 0.00001; ExAC 0.00001; gnomAD exomes 0.00001.
gnomAD v4.1: 4 of 1,605,370 alleles (0.00025%); highest among the groups gnomAD compares: East Asian, 0.0089%; no homozygotes.

Submission:

Labcorp Genetics (formerly Invitae), Labcorp
Classification: Uncertain significance for Neuropathy, hereditary sensory and autonomic, type 2A; Generalized epilepsy with febrile seizures plus, type 7. Last evaluated: 2022-01-02. Review status: criteria provided, single submitter. Criteria: Invitae Variant Classification Sherloc (09022015). Collection method: clinical testing. Allele origin: germline.
Comment: This sequence change replaces tyrosine, which is neutral and polar, with cysteine, which is neutral and slightly polar, at codon 1561 of the SCN9A protein (p.Tyr1561Cys). This variant is present in population databases (rs757069528, gnomAD 0.02%). This variant has not been reported in the literature in individuals affected with SCN9A-related conditions. Algorithms developed to predict the effect of missense changes on protein structure and function (SIFT, PolyPhen-2, Align-GVGD) all suggest that this variant is likely to be disruptive. In summary, the available evidence is currently insufficient to determine the role of this variant in disease. Therefore, it has been classified as a Variant of Uncertain Significance.